The following is an entry in ClinVar:

ClinVar aggregate classification (germline): Pathogenic (1 of 4 stars; one submission).

Conditions:
Combined immunodeficiency due to LRBA deficiency. Also called: Common variable immunodeficiency 8, with autoimmunity. Identifiers: Orphanet 445018, MedGen C3553512, MONDO:0013863, OMIM 614700.

Submission:

Labcorp Genetics (formerly Invitae), Labcorp
Classification: Pathogenic for Combined immunodeficiency due to LRBA deficiency. Last evaluated: 2022-07-11. Review status: criteria provided, single submitter. Criteria: Invitae Variant Classification Sherloc (09022015). Collection method: clinical testing. Allele origin: germline.
Comment: For these reasons, this variant has been classified as Pathogenic. This variant has not been reported in the literature in individuals affected with LRBA-related conditions. This variant is not present in population databases (gnomAD no frequency). This sequence change creates a premature translational stop signal (p.Trp906*) in the LRBA gene. It is expected to result in an absent or disrupted protein product. Loss-of-function variants in LRBA are known to be pathogenic (PMID: 26206937, 26768763).

Literature cited by the submitters: PubMed 26206937; PubMed 26768763.

NM_001364905.1(LRBA):c.2717G>A (p.Trp906Ter)

Gene: LRBA (LPS responsive beige-like anchor protein; minus strand). Cytogenetic location: 4q31.3.
Variant type: single nucleotide variant.
Coding change: c.2717G>A on transcript NM_001364905.1 (MANE Select); coding-DNA position 2717, G replaced by A.
Protein change: p.Trp906Ter; replaces tryptophan 906 with a stop codon.
Molecular consequence: nonsense.
Genome position (GRCh38, 1-based): chr4:150,867,720, C>T on the plus strand (G>A on the coding strand, the complement: LRBA is on the minus strand). VCF-style: chr4-150867720-C-T. GRCh37 (hg19) VCF-style: chr4-151788872-C-T.
Other names: c.2717G>A, p.Trp906Ter (NM_001199282.3, NM_001367550.1, NM_006726.5); short protein forms W906*.
Identifiers: ClinVar variation 2016012 (VCV002016012.4), dbSNP rs2546545150, ClinGen allele CA358464067.
Genomic context (GRCh38, chr4:150,867,720, plus strand): 5'-AAGAAACTTACCTTTGAATGAGTGATTGATAAAGTGTCTACCCATACACGCCAGCCACCC[C>T]ACTCATATTTGACTGCATGGTAAAGCAGGATTCTGAATATGGCGTATACCATTTCTGTTA-3'